The following is an entry in ClinVar:

NM_170606.3(KMT2C):c.10190A>C (p.Glu3397Ala)

Gene: KMT2C (lysine methyltransferase 2C; minus strand). Cytogenetic location: 7q36.1.
Variant type: single nucleotide variant.
Coding change: c.10190A>C on transcript NM_170606.3 (MANE Select); coding-DNA position 10190, A replaced by C.
Protein change: p.Glu3397Ala; replaces glutamic acid 3397 with alanine.
Molecular consequence: missense variant.
Genome position (GRCh38, 1-based): chr7:152,163,387, T>G on the plus strand (A>C on the coding strand, the complement: KMT2C is on the minus strand). VCF-style: chr7-152163387-T-G. GRCh37 (hg19) VCF-style: chr7-151860472-T-G.
Other names: short protein forms E3397A.
Identifiers: ClinVar variation 3289160 (VCV003289160.2).

ClinVar aggregate classification (germline): Conflicting classifications of pathogenicity. Review status: criteria provided, conflicting classifications (1 of 4 stars). 2 submissions from 2 submitters: Uncertain significance (1); Likely benign (1). Last evaluated 2026-01-21.

Conditions:
Inborn genetic diseases. Identifiers: MedGen C0950123, MeSH D030342.

gnomAD v4.1: 10 of 1,614,132 alleles (0.00062%); highest among the groups gnomAD compares: African/African-American, 0.012%; no homozygotes.

Submissions (2):

Women's Health and Genetics/Laboratory Corporation of America, LabCorp
Classification: Uncertain significance. Last evaluated: 2026-01-21. Review status: criteria provided, single submitter. Criteria: LabCorp Variant Classification Summary - May 2015. Collection method: clinical testing. Allele origin: germline.
Comment: Variant summary: KMT2C c.10190A>C (p.Glu3397Ala) results in a non-conservative amino acid change in the encoded protein sequence. Algorithms developed to predict the effect of missense changes on protein structure and function are either unavailable or do not agree on the potential impact of this missense change. The variant allele was found at a frequency of 2.8e-05 in 251490 control chromosomes. The available data on variant occurrences in the general population are insufficient to allow any conclusion about variant significance. To our knowledge, no occurrence of c.10190A>C in individuals affected with KMT2C-related conditions and no experimental evidence demonstrating its impact on protein function have been reported. ClinVar contains an entry for this variant (Variation ID: 3289160). Based on the evidence outlined above, the variant was classified as uncertain significance.

Ambry Genetics
Classification: Likely benign for Inborn genetic diseases. Last evaluated: 2024-06-22. Review status: criteria provided, single submitter. Criteria: Ambry Variant Classification Scheme 2023. Collection method: clinical testing. Allele origin: germline.